The following is an entry in ClinVar:

ClinVar aggregate classification (germline): Uncertain significance (1 of 4 stars; one submission).

Submission:

Labcorp Genetics (formerly Invitae), Labcorp
Classification: Uncertain significance. Last evaluated: 2025-09-03. Review status: criteria provided, single submitter. Criteria: Invitae Variant Classification Sherloc (09022015). Collection method: clinical testing. Allele origin: germline.
Comment: This sequence change replaces arginine, which is basic and polar, with lysine, which is basic and polar, at codon 760 of the ALPK1 protein (p.Arg760Lys). This variant is not present in population databases (gnomAD no frequency). This variant has not been reported in the literature in individuals affected with ALPK1-related conditions. Invitae Evidence Modeling of protein sequence and biophysical properties (such as structural, functional, and spatial information, amino acid conservation, physicochemical variation, residue mobility, and thermodynamic stability) indicates that this missense variant is not expected to disrupt ALPK1 protein function with a negative predictive value of 80%. In summary, the available evidence is currently insufficient to determine the role of this variant in disease. Therefore, it has been classified as a Variant of Uncertain Significance.

NM_025144.4(ALPK1):c.2279G>A (p.Arg760Lys)

Gene: ALPK1 (alpha kinase 1; plus strand). Cytogenetic location: 4q25.
Variant type: single nucleotide variant.
Coding change: c.2279G>A on transcript NM_025144.4 (MANE Select); coding-DNA position 2279, G replaced by A.
Protein change: p.Arg760Lys; replaces arginine 760 with lysine.
Molecular consequence: missense variant.
Genome position (GRCh38, 1-based): chr4:112,431,826, G>A. VCF-style: chr4-112431826-G-A. GRCh37 (hg19) VCF-style: chr4-113352982-G-A.
Other names: c.2279G>A, p.Arg760Lys (NM_001102406.2); c.2045G>A, p.Arg682Lys (NM_001253884.2); short protein forms R682K, R760K.
Identifiers: ClinVar variation 4742214 (VCV004742214.1).
Genomic context (GRCh38, chr4:112,431,826, plus strand): 5'-AAGAAGAAGCCTTTGAAATAATTGTTGAGTTTCCAGAAACCAACTGCGATGTCAAAGACA[G>A]GCAGGGGAAAGAGCAGGGAGAAGAAATTAGTGAAAGAGGCGCAGGCCCTACATTTAAAGC-3'
Protein context (NP_079420.3, residues 750-770): FPETNCDVKD[Arg760Lys]QGKEQGEEIS